The following is an entry in ClinVar:

NM_175914.5(HNF4A):c.321C>T (p.Ala107=)

Gene: HNF4A (hepatocyte nuclear factor 4 alpha; plus strand). Cytogenetic location: 20q13.12.
Variant type: single nucleotide variant.
Coding change: c.321C>T on transcript NM_175914.5 (MANE Select); coding-DNA position 321, C replaced by T.
Protein change: p.Ala107=; no amino-acid change (alanine 107 retained).
Molecular consequence: synonymous variant.
Genome position (GRCh38, 1-based): chr20:44,413,695, C>T. VCF-style: chr20-44413695-C-T. GRCh37 (hg19) VCF-style: chr20-43042335-C-T.
Other names: NM_175914.5(HNF4A):c.321C>T; p.Ala107=; c.387C>T, p.Ala129= (NM_000457.6, NM_178849.3, NM_178850.3); c.321C>T, p.Ala107= (NM_001030003.3, NM_001030004.3); c.366C>T, p.Ala122= (NM_001258355.2); c.312C>T, p.Ala104= (NM_001287182.2, NM_001287183.2, NM_001287184.2).
Identifiers: ClinVar variation 338426 (VCV000338426.10), dbSNP rs138290205, ClinGen allele CA9870224.

ClinVar aggregate classification (germline): Likely benign. Review status: reviewed by expert panel (3 of 4 stars). 6 submissions from 5 submitters: Likely benign (1). 5 of the submissions do not count toward it. Last evaluated 2023-01-12.

Conditions:
Monogenic diabetes. Identifiers: Orphanet 183625, MedGen C3888631, MONDO:0015967.
Maturity-onset diabetes of the young (MODY). Also called: Maturity onset diabetes mellitus in young. Identifiers: Orphanet 552, MedGen C0342276, MONDO:0018911, HP:0004904.
Familial hyperinsulinism. Also called: Congenital hyperinsulinism. Identifiers: Orphanet 276525, MedGen C3888018, MONDO:0017182. Disease mechanism: loss of function.
Maturity-onset diabetes of the young type 1. Also called: MODY type 1; Diabetes mellitus MODY type 1; MODY HNF4A related; HNF4A-Related Maturity-Onset Diabetes of the Young Type 1; MILD JUVENILE DIABETES MELLITUS; MODY, type I. Identifiers: Orphanet 552, MedGen C1852093, MONDO:0007452, OMIM 125850. Disease mechanism: loss of function.

Allele frequency attached by ClinVar (database versions not stated): gnomAD 0.00001; gnomAD exomes 0.00001; ExAC 0.00002; TOPMed 0.00002; ESP Exome Variant Server 0.00008.
gnomAD v4.1: 37 of 1,612,818 alleles (0.0023%); highest among the groups gnomAD compares: Non-Finnish European, 0.0025%; no homozygotes.

Submissions (6):

ClinGen Monogenic Diabetes Variant Curation Expert Panel
Classification: Likely benign for Monogenic diabetes. Last evaluated: 2023-01-12. Review status: reviewed by expert panel. Criteria: MDEP HNF4A Specificiations 1.0.0. Collection method: curation. Allele origin: germline. Inheritance: Autosomal dominant inheritance.
Comment: The c.321C>T variant in the hepatocyte nuclear factor 4 alpha gene, HNF4A, is a synonymous (silent) variant at codon 107 (p.(Ala107=)) of NM_175914.5. This variant is not predicted by SpliceAI to impact splicing (SpliceAI score of 0, which is less than the MDEP cutoff of 0.2) and is not highly conserved (phyloP100way score of -0.636, which is below the MDEP cutoff of 2.0) (BP4, BP7). ). The Popmax frequency of the c.321C>T variant in gnomAD v2.1.1 is 0.000007040, which falls between ClinGen MDEP-established cutoffs for PM2_Supporting and BS1; thus, neither criterion will be applied. In summary, c.321C>T meets the criteria to be classified as likely benign for monogenic diabetes. ACMG/AMP criteria applied, as specified by the ClinGen MDEP VCEP (specification version 1.0, approved 11/16/22): BP4, BP7.

Labcorp Genetics (formerly Invitae), Labcorp
Classification: Likely benign. Last evaluated: 2025-10-21. Review status: criteria provided, single submitter. Criteria: Invitae Variant Classification Sherloc (09022015). Collection method: clinical testing. Allele origin: germline. Not counted in ClinVar's aggregate classification.

Blueprint Genetics
Classification: Likely benign. Last evaluated: 2022-11-18. Review status: criteria provided, single submitter. Criteria: ACMG Guidelines, 2015. Collection method: clinical testing. Allele origin: germline. Not counted in ClinVar's aggregate classification.

Illumina Laboratory Services, Illumina
Classification: Uncertain significance for Maturity-onset diabetes of the young type 1. Last evaluated: 2018-01-12. Review status: criteria provided, single submitter. Criteria: ICSL Variant Classification Criteria 13 December 2019. Collection method: clinical testing. Allele origin: germline. Not counted in ClinVar's aggregate classification.

Illumina Laboratory Services, Illumina
Classification: Uncertain significance for Familial hyperinsulinism. Last evaluated: 2018-01-12. Review status: criteria provided, single submitter. Criteria: ICSL Variant Classification Criteria 13 December 2019. Collection method: clinical testing. Allele origin: germline. Not counted in ClinVar's aggregate classification.

Clinical Genomics, Uppaluri K&H Personalized Medicine Clinic
Classification: Benign for Maturity-onset diabetes of the young. Review status: criteria provided, single submitter. Criteria: K & H Uppaluri Personalized Medicine Clinic Variant Classification & Assertion Criteria_Updated V.1. Collection method: research. Allele origin: unknown. Inheritance: Autosomal dominant inheritance. Not counted in ClinVar's aggregate classification.
Comment: Potent mutations in HNF4A are associated with poor insulin secretion in response to hyperglycemia. Associated with MODY1. Patients initially respond well to sulfonylureas but eventually become insulin dependent. However, more evidence is required to ascertain the role of this particular variant rs138290205 in MODY, yet.

Literature cited by the submitters: DOI 10.1159/000334532 (cited by Clinical Genomics, Uppaluri K&H Personalized Medicine Clinic); PubMed 18268044 (cited by Clinical Genomics, Uppaluri K&H Personalized Medicine Clinic); PubMed 17563455 (cited by Clinical Genomics, Uppaluri K&H Personalized Medicine Clinic); PubMed 32583173 (cited by Clinical Genomics, Uppaluri K&H Personalized Medicine Clinic); PubMed 35052457 (cited by Clinical Genomics, Uppaluri K&H Personalized Medicine Clinic); PubMed 35118593 (cited by Clinical Genomics, Uppaluri K&H Personalized Medicine Clinic).